The following is an entry in ClinVar:

ClinVar aggregate classification (germline): Benign (1 of 4 stars; one submission).

Conditions:
Frontotemporal dementia and/or amyotrophic lateral sclerosis 7 (FTDALS7). Also called: CHMP2B-related frontotemporal dementia; CHMP2B-Related Frontotemporal Dementia-Amyotrophic Lateral Sclerosis; AMYOTROPHIC LATERAL SCLEROSIS, CHMP2B-RELATED; Amyotrophic lateral sclerosis 17. Identifiers: Orphanet 275864, Orphanet 282, Orphanet 803, MedGen C1833296, MONDO:0010936, OMIM 600795.

Allele frequency attached by ClinVar (database versions not stated): gnomAD 0.00048 and 0.00056; TOPMed 0.00082; 1000 Genomes Project 0.00100; 1000 Genomes Project 30x 0.00156.

Submission:

Illumina Laboratory Services, Illumina
Classification: Benign for Frontotemporal dementia and/or amyotrophic lateral sclerosis 7. Last evaluated: 2018-01-13. Review status: criteria provided, single submitter. Criteria: ICSL Variant Classification Criteria 13 December 2019. Collection method: clinical testing. Allele origin: germline.
Comment: This variant was observed in the ICSL laboratory as part of a predisposition screen in an ostensibly healthy population. It had not been previously curated by ICSL or reported in the Human Gene Mutation Database (HGMD: prior to June 1st, 2018), and was therefore a candidate for classification through an automated scoring system. Utilizing variant allele frequency, disease prevalence and penetrance estimates, and inheritance mode, an automated score was calculated to assess if this variant is too frequent to cause the disease. Based on the score and internal cut-off values, a variant classified as benign is not then subjected to further curation. The score for this variant resulted in a classification of benign for this disease.

NM_014043.4(CHMP2B):c.*744C>A

Gene: CHMP2B (charged multivesicular body protein 2B; plus strand). Cytogenetic location: 3p11.2.
Variant type: single nucleotide variant.
Coding change: c.*744C>A on transcript NM_014043.4 (MANE Select); 744 bases downstream of the stop codon, C replaced by A.
Molecular consequence: 3 prime UTR variant.
Genome position (GRCh38, 1-based): chr3:87,254,566, C>A. VCF-style: chr3-87254566-C-A. GRCh37 (hg19) VCF-style: chr3-87303716-C-A.
Other names: c.*744C>A (NM_001244644.2).
Identifiers: ClinVar variation 900411 (VCV000900411.4), dbSNP rs185167991, ClinGen allele CA79035834.
Genomic context (GRCh38, chr3:87,254,566, plus strand): 5'-CCTCAATACAAAGATTATCCTGGCTCTTTTCTATCTCTGTGGGCCTAATTGAAATATGTA[C>A]TCTTATTTTAGACACGCCTCTGTTAAAACAGACCAGGTTTTCCTGGTCTCAGACCTATGA-3'